The following is an entry in ClinVar:

ClinVar aggregate classification (germline): Uncertain significance (1 of 4 stars; one submission).

Conditions:
Hereditary pulmonary alveolar proteinosis. Also called: Pulmonary surfactant metabolism dysfunction. Identifiers: Orphanet 264675, MedGen C3711368, MONDO:0012580.

Submission:

Ambry Genetics
Classification: Uncertain significance for Hereditary pulmonary alveolar proteinosis. Last evaluated: 2019-04-01. Review status: criteria provided, single submitter. Criteria: Ambry Variant Classification Scheme 2023. Collection method: clinical testing. Allele origin: germline.
Comment: The p.A54P variant (also known as c.160G>C), located in coding exon 2 of the ABCA3 gene, results from a G to C substitution at nucleotide position 160. The alanine at codon 54 is replaced by proline, an amino acid with highly similar properties. This amino acid position is well conserved in available vertebrate species. In addition, the in silico prediction for this alteration is inconclusive. Based on available evidence to date, the clinical significance of this alteration remains unclear.

NM_001089.3(ABCA3):c.160G>C (p.Ala54Pro)

Gene: ABCA3 (ATP binding cassette subfamily A member 3; minus strand). Cytogenetic location: 16p13.3.
Variant type: single nucleotide variant.
Coding change: c.160G>C on transcript NM_001089.3 (MANE Select); coding-DNA position 160, G replaced by C.
Protein change: p.Ala54Pro; replaces alanine 54 with proline.
Molecular consequence: missense variant.
Genome position (GRCh38, 1-based): chr16:2,326,169, C>G on the plus strand (G>C on the coding strand, the complement: ABCA3 is on the minus strand). VCF-style: chr16-2326169-C-G. GRCh37 (hg19) VCF-style: chr16-2376170-C-G.
Other names: short protein forms A54P.
Identifiers: ClinVar variation 1776371 (VCV001776371.2), dbSNP rs147278907, ClinGen allele CA394352523.